The following is an entry in ClinVar:

NM_000059.4(BRCA2):c.2256C>T (p.Asp752=)

Gene: BRCA2 (BRCA2 DNA repair associated; plus strand). Cytogenetic location: 13q13.1.
Variant type: single nucleotide variant.
Coding change: c.2256C>T on transcript NM_000059.4 (MANE Select); coding-DNA position 2256, C replaced by T.
Protein change: p.Asp752=; no amino-acid change (aspartic acid 752 retained).
Molecular consequence: synonymous variant.
Genome position (GRCh38, 1-based): chr13:32,336,611, C>T. VCF-style: chr13-32336611-C-T. GRCh37 (hg19) VCF-style: chr13-32910748-C-T.
Identifiers: ClinVar variation 184350 (VCV000184350.36), dbSNP rs766384913, ClinGen allele CA014775.
Genomic context (GRCh38, chr13:32,336,611, plus strand): 5'-GGTCTTGGCTGCAGCATGTCACCCAGTACAACATTCAAAAGTGGAATACAGTGATACTGA[C>T]TTTCAATCCCAGAAAAGTCTTTTATATGATCATGAAAATGCCAGCACTCTTATTTTAACT-3'
Protein context (NP_000050.3, residues 742-762): QHSKVEYSDT[Asp752=]FQSQKSLLYD

ClinVar aggregate classification (germline): Likely benign. Review status: reviewed by expert panel (3 of 4 stars). 12 submissions from 12 submitters: Likely benign (1). 11 of the submissions do not count toward it. Last evaluated 2017-06-29.

Conditions:
Hereditary cancer-predisposing syndrome. Also called: Tumor predisposition; Hereditary Cancer Syndrome; Hereditary neoplastic syndrome; Neoplastic Syndromes, Hereditary. Identifiers: Orphanet 140162, MedGen C0027672, MeSH D009386, MONDO:0015356.
Hereditary breast ovarian cancer syndrome. Also called: Breast and ovarian cancer; Hereditary breast and ovarian cancer syndrome; Hereditary breast and ovarian cancer; BRCA1- and BRCA2-Associated Hereditary Breast and Ovarian Cancer; Hereditary breast and ovarian cancer syndrome (HBOC); Hereditary breast and/or ovarian cancer syndrome. Identifiers: Orphanet 145, MedGen C0677776, MeSH D061325, MONDO:0003582. Disease mechanism: loss of function.
Breast-ovarian cancer, familial, susceptibility to, 2 (BROVCA2). Also called: BRCA2 Hereditary Breast and Ovarian Cancer. Identifiers: Orphanet 145, MedGen C2675520, MONDO:0012933, OMIM 612555. Disease mechanism: loss of function.
Malignant tumor of breast. Also called: Cancer breast; Malignant breast neoplasm. Identifiers: MedGen C0006142, MONDO:0007254. Disease mechanism: loss of function.

Allele frequency attached by ClinVar (database versions not stated): ExAC 0.00002; gnomAD 0.00002; gnomAD exomes 0.00002 and 0.00004; TOPMed 0.00002.
gnomAD v4.1: 59 of 1,613,918 alleles (0.0037%); highest among the groups gnomAD compares: Non-Finnish European, 0.0047%; no homozygotes.

Submissions (12):

Evidence-based Network for the Interpretation of Germline Mutant Alleles (ENIGMA)
Classification: Likely benign for Breast-ovarian cancer, familial, susceptibility to, 2. Last evaluated: 2017-06-29. Review status: reviewed by expert panel. Criteria: ENIGMA BRCA1/2 Classification Criteria (2017-06-29). Collection method: curation. Allele origin: germline.
Comment: Synonymous substitution variant, with low bioinformatic likelihood to result in a splicing aberration (Splicing prior probability 0.02).

Labcorp Genetics (formerly Invitae), Labcorp
Classification: Likely benign for Hereditary breast ovarian cancer syndrome. Last evaluated: 2025-12-07. Review status: criteria provided, single submitter. Criteria: Invitae Variant Classification Sherloc (09022015). Collection method: clinical testing. Allele origin: germline. Not counted in ClinVar's aggregate classification.

Center for Genomic Medicine, Rigshospitalet, Copenhagen University Hospital
Classification: Likely benign. Last evaluated: 2025-03-04. Review status: criteria provided, single submitter. Criteria: ACMG Guidelines, 2015. Collection method: clinical testing. Allele origin: germline. Not counted in ClinVar's aggregate classification.

All of Us Research Program, National Institutes of Health
Classification: Likely benign for Breast-ovarian cancer, familial, susceptibility to, 2. Last evaluated: 2024-02-05. Review status: criteria provided, single submitter. Criteria: ACMG Guidelines, 2015. Collection method: clinical testing. Allele origin: germline. Inheritance: Autosomal dominant inheritance. Observed: 7 variant alleles, 7 heterozygotes. Not counted in ClinVar's aggregate classification.
Comment: This study involves interpretation of variants in research participants for the purpose of population health screening. Participant phenotype was not available at the time of variant classification. Additional details can be found in publication PMID: 35346344, PMCID: PMC8962531

Quest Diagnostics Nichols Institute San Juan Capistrano
Classification: Likely benign. Last evaluated: 2022-09-05. Review status: criteria provided, single submitter. Criteria: Quest Diagnostics criteria. Collection method: clinical testing. Allele origin: unknown. Not counted in ClinVar's aggregate classification.

Sema4
Classification: Likely benign for Hereditary cancer-predisposing syndrome. Last evaluated: 2021-11-10. Review status: criteria provided, single submitter. Criteria: Sema4 Curation Guidelines. Collection method: curation. Allele origin: germline. Not counted in ClinVar's aggregate classification.

GeneDx
Classification: Likely benign. Last evaluated: 2021-05-03. Review status: criteria provided, single submitter. Criteria: GeneDx Variant Classification Process June 2021. Collection method: clinical testing. Allele origin: germline. Affected: yes. Not counted in ClinVar's aggregate classification.

Women's Health and Genetics/Laboratory Corporation of America, LabCorp
Classification: Likely benign. Last evaluated: 2019-07-22. Review status: criteria provided, single submitter. Criteria: LabCorp Variant Classification Summary - May 2015. Collection method: clinical testing. Allele origin: germline. Not counted in ClinVar's aggregate classification.

ARUP Laboratories, Molecular Genetics and Genomics, ARUP Laboratories
Classification: Likely benign. Last evaluated: 2017-07-14. Review status: criteria provided, single submitter. Criteria: ARUP Molecular Germline Variant Investigation Process. Collection method: clinical testing. Allele origin: germline. Not counted in ClinVar's aggregate classification.
Comment: The BRCA2 c.2256C>T;p.Asp752Asp variant has not been published in the medical literature or in gene-specific databases. The variant is listed in the HCI Breast Cancer Genes Prior Probabilities database as weak probability of pathogenicity. The variant is listed in the ClinVar database (Variation ID: 184350) and the dbSNP variant database (rs766384913) with an allele frequency of 0.001805 percent (5/277018 alleles) in the Genome Aggregation Database. The nucleotide at this position is weakly conserved across species and computational algorithms (SpliceSiteFinder-like, MaxEntScan, NNSplice, GeneSplicer, Human Splicing Finder) predict this variant does not have significant effect on splicing. Considering available information, this variant is classified as likely benign.

Color Diagnostics, LLC DBA Color Health
Classification: Likely benign for Hereditary cancer-predisposing syndrome. Last evaluated: 2016-04-11. Review status: criteria provided, single submitter. Criteria: ACMG Guidelines, 2015. Collection method: clinical testing. Allele origin: germline. Not counted in ClinVar's aggregate classification.

Ambry Genetics
Classification: Likely benign for Hereditary cancer-predisposing syndrome. Last evaluated: 2014-11-12. Review status: criteria provided, single submitter. Criteria: Ambry Variant Classification Scheme 2023. Collection method: clinical testing. Allele origin: germline. Not counted in ClinVar's aggregate classification.

Department of Pathology and Laboratory Medicine, Sinai Health System
Classification: Likely benign for Malignant tumor of breast. Review status: no assertion criteria provided. Collection method: clinical testing. Allele origin: unknown. Affected: yes. Study: The Canadian Open Genetics Repository (COGR). Not counted in ClinVar's aggregate classification.
Comment: The BRCA2 p.Asp752Asp variant is not expected to have clinical significance because it does not result in a change of amino acid and is not located in a known consensus splice site. In addition, in silico or computational prediction software programs (SpliceSiteFinder, MaxEntScan, NNSPLICE, GeneSplicer, HumanSpliceFinder) do not predict a difference in splicing. The variant was not identified in the literature, but was identified in the ClinVar database (submitted and classified by Ambry Genetics as â€šÃ„Ãºlikely benignâ€šÃ„Ã¹). The variant was listed in the Exome Aggregation Consortium (ExAC) database, where it was found in 3 of 66686 chromosomes from a cohort of European (Non-Finnish) ethnicity; however this low frequency is not substantive enough to comment on the relationship of this variant to disease. The variant was not identified in other database searches, including: dbSNP, NHLBI Exome Sequencing Project (Exome Variant Server), ARUP Laboratories BRCA Mutations Database, COSMIC, LOVD, BIC, and the GeneInsight COGR database. In summary, based on the above information, the clinical significance of this variant cannot be determined with certainty at this time although we would lean towards a more benign role for this variant. This variant is classified as predicted benign.